The following is an entry in ClinVar:

NM_000489.6(ATRX):c.370+5T>C

Gene: ATRX (ATRX chromatin remodeler; minus strand). Cytogenetic location: Xq21.1.
Variant type: single nucleotide variant.
Coding change: c.370+5T>C on transcript NM_000489.6 (MANE Select); 5 bases into the intron after coding-DNA position 370, T replaced by C.
Molecular consequence: intron variant.
Genome position (GRCh38, 1-based): chrX:77,696,572, A>G on the plus strand (T>C on the coding strand, the complement: ATRX is on the minus strand). VCF-style: chrX-77696572-A-G. GRCh37 (hg19) VCF-style: chrX-76952060-A-G.
Other names: c.370+5T>C (NM_138270.5, NM_000489.3).
Identifiers: ClinVar variation 834252 (VCV000834252.11), dbSNP rs1557149836, ClinGen allele CA642700574.

ClinVar aggregate classification (germline): Uncertain significance. Review status: criteria provided, multiple submitters, no conflicts (2 of 4 stars). 2 submissions from 2 submitters: Uncertain significance (2). Last evaluated 2024-04-03.

Conditions:
Inborn genetic diseases. Identifiers: MedGen C0950123, MeSH D030342.
Alpha thalassemia-X-linked intellectual disability syndrome (ATRX). Also called: ATR-X syndrome; Alpha thalassemia mental retardation syndrome, nondeletion type, X-linked; XLMR hypotonic face syndrome; ALPHA-THALASSEMIA/IMPAIRED INTELLECTUAL DEVELOPMENT SYNDROME, X-LINKED; ALPHA-THALASSEMIA/MENTAL RETARDATION SYNDROME, X-LINKED; ATR, NONDELETION TYPE. Identifiers: Orphanet 847, MedGen C1845055, MONDO:0010519, OMIM 301040.

Allele frequency attached by ClinVar (database versions not stated): gnomAD exomes below 0.00001.
gnomAD v4.1: 5 of 1,205,120 alleles (0.00041%); highest among the groups gnomAD compares: Admixed American, 0.0022%; no homozygotes.

Submissions (2):

Labcorp Genetics (formerly Invitae), Labcorp
Classification: Uncertain significance for Alpha thalassemia-X-linked intellectual disability syndrome. Last evaluated: 2024-04-03. Review status: criteria provided, single submitter. Criteria: Invitae Variant Classification Sherloc (09022015). Collection method: clinical testing. Allele origin: germline.
Comment: This sequence change falls in intron 5 of the ATRX gene. It does not directly change the encoded amino acid sequence of the ATRX protein. It affects a nucleotide within the consensus splice site. The frequency data for this variant in the population databases is considered unreliable, as metrics indicate poor data quality at this position in the gnomAD database. This variant has not been reported in the literature in individuals affected with ATRX-related conditions. ClinVar contains an entry for this variant (Variation ID: 834252). Variants that disrupt the consensus splice site are a relatively common cause of aberrant splicing (PMID: 17576681, 9536098). Algorithms developed to predict the effect of sequence changes on RNA splicing suggest that this variant is not likely to affect RNA splicing. In summary, the available evidence is currently insufficient to determine the role of this variant in disease. Therefore, it has been classified as a Variant of Uncertain Significance.

Ambry Genetics
Classification: Uncertain significance for Inborn genetic diseases. Last evaluated: 2022-02-18. Review status: criteria provided, single submitter. Criteria: Ambry Variant Classification Scheme 2023. Collection method: clinical testing. Allele origin: germline.
Comment: The c.370+5T>C intronic alteration consists of a T to C substitution 5 nucleotides after exon 5 of the ATRX gene. Based on insufficient or conflicting evidence, the clinical significance of this alteration remains unclear.

Literature cited by the submitters: PubMed 17576681 (cited by Labcorp Genetics (formerly Invitae), Labcorp); PubMed 9536098 (cited by Labcorp Genetics (formerly Invitae), Labcorp).